The following is an entry in ClinVar:

NM_001079.4(ZAP70):c.598C>G (p.Leu200Val)

Gene: ZAP70 (zeta chain of T cell receptor associated protein kinase 70; plus strand). Cytogenetic location: 2q11.2.
Variant type: single nucleotide variant.
Coding change: c.598C>G on transcript NM_001079.4 (MANE Select); coding-DNA position 598, C replaced by G.
Protein change: p.Leu200Val; replaces leucine 200 with valine.
Molecular consequence: missense variant.
Genome position (GRCh38, 1-based): chr2:97,732,917, C>G. VCF-style: chr2-97732917-C-G. GRCh37 (hg19) VCF-style: chr2-98349380-C-G.
Other names: c.598C>G, p.Leu200Val (NM_001378594.1); short protein forms L200V.
Identifiers: ClinVar variation 3712738 (VCV003712738.3).

ClinVar aggregate classification (germline): Uncertain significance. Review status: criteria provided, multiple submitters, no conflicts (2 of 4 stars). 2 submissions from 2 submitters: Uncertain significance (2). Last evaluated 2025-06-06.

Conditions:
Combined immunodeficiency due to ZAP70 deficiency (IMD48). Also called: Immunodeficiency 48; ZAP70 Deficiency. Identifiers: Orphanet 911, MedGen C2931299, MONDO:0010023, OMIM 269840.
Inborn genetic diseases. Identifiers: MedGen C0950123, MeSH D030342.

gnomAD v4.1: 26 of 1,614,048 alleles (0.0016%); highest among the groups gnomAD compares: African/African-American, 0.033%; 1 homozygote.

Submissions (2):

Ambry Genetics
Classification: Uncertain significance for Inborn genetic diseases. Last evaluated: 2025-06-06. Review status: criteria provided, single submitter. Criteria: Ambry Variant Classification Scheme 2023. Collection method: clinical testing. Allele origin: germline.

Labcorp Genetics (formerly Invitae), Labcorp
Classification: Uncertain significance for Combined immunodeficiency due to ZAP70 deficiency. Last evaluated: 2024-12-09. Review status: criteria provided, single submitter. Criteria: Invitae Variant Classification Sherloc (09022015). Collection method: clinical testing. Allele origin: germline.
Comment: This sequence change replaces leucine, which is neutral and non-polar, with valine, which is neutral and non-polar, at codon 200 of the ZAP70 protein (p.Leu200Val). This variant is present in population databases (rs372504093, gnomAD 0.03%). This variant has not been reported in the literature in individuals affected with ZAP70-related conditions. An algorithm developed to predict the effect of missense changes on protein structure and function (PolyPhen-2) suggests that this variant is likely to be disruptive. In summary, the available evidence is currently insufficient to determine the role of this variant in disease. Therefore, it has been classified as a Variant of Uncertain Significance.